The following is an entry in ClinVar:

NM_024570.4(RNASEH2B):c.698+1G>C

Gene: RNASEH2B (ribonuclease H2 subunit B; plus strand). Cytogenetic location: 13q14.3.
Variant type: single nucleotide variant.
Coding change: c.698+1G>C on transcript NM_024570.4 (MANE Select); the canonical splice donor site of the intron after coding-DNA position 698, G replaced by C.
Molecular consequence: splice donor variant.
Genome position (GRCh38, 1-based): chr13:50,948,069, G>C. VCF-style: chr13-50948069-G-C. GRCh37 (hg19) VCF-style: chr13-51522205-G-C.
Other names: c.698+1G>C (NM_001142279.2, NM_001411023.1).
Identifiers: ClinVar variation 1999890 (VCV001999890.4), dbSNP rs367915667, ClinGen allele CA388259950.

ClinVar aggregate classification (germline): Likely pathogenic (1 of 4 stars; one submission).

Conditions:
Aicardi-Goutieres syndrome 2. Identifiers: Orphanet 51, MedGen C3489724, MONDO:0012429, OMIM 610181.

Submission:

Labcorp Genetics (formerly Invitae), Labcorp
Classification: Likely pathogenic for Aicardi-Goutieres syndrome 2. Last evaluated: 2022-05-28. Review status: criteria provided, single submitter. Criteria: Invitae Variant Classification Sherloc (09022015). Collection method: clinical testing. Allele origin: germline.
Comment: This sequence change affects a donor splice site in intron 8 of the RNASEH2B gene. It is expected to disrupt RNA splicing. Variants that disrupt the donor or acceptor splice site typically lead to a loss of protein function (PMID: 16199547), and loss-of-function variants in RNASEH2B are known to be pathogenic (PMID: 17846997). This variant is not present in population databases (gnomAD no frequency). This variant has not been reported in the literature in individuals affected with RNASEH2B-related conditions. Algorithms developed to predict the effect of sequence changes on RNA splicing suggest that this variant may disrupt the consensus splice site. In summary, the currently available evidence indicates that the variant is pathogenic, but additional data are needed to prove that conclusively. Therefore, this variant has been classified as Likely Pathogenic.

Literature cited by the submitters: PubMed 16199547; PubMed 17846997.